The following is an entry in ClinVar:

ClinVar aggregate classification (germline): Conflicting classifications of pathogenicity. Review status: criteria provided, conflicting classifications (1 of 4 stars). 7 submissions from 7 submitters: Likely pathogenic (1); Uncertain significance (6). Last evaluated 2025-07-31.

Conditions:
Hereditary cancer-predisposing syndrome. Also called: Neoplastic Syndromes, Hereditary; Hereditary Cancer Syndrome; Hereditary neoplastic syndrome; Tumor predisposition. Identifiers: Orphanet 140162, MedGen C0027672, MeSH D009386, MONDO:0015356.
Familial cancer of breast. Also called: BREAST CANCER, FAMILIAL; hereditary breast carcinoma; Hereditary breast cancer. Identifiers: Orphanet 227535, MedGen C0346153, MONDO:0016419, OMIM 114480. Disease mechanism: loss of function.
Ovarian cancer. Also called: OVARIAN CANCER, SOMATIC. Identifiers: Orphanet 213500, MedGen C1140680, MONDO:0008170, OMIM 167000.

Allele frequency attached by ClinVar (database versions not stated): gnomAD exomes below 0.00001; ExAC 0.00001.
gnomAD v4.1: 5 of 1,613,504 alleles (0.00031%); highest among the groups gnomAD compares: East Asian, 0.0089%; no homozygotes.

Submissions (7):

Labcorp Genetics (formerly Invitae), Labcorp
Classification: Uncertain significance for Familial cancer of breast. Last evaluated: 2025-07-31. Review status: criteria provided, single submitter. Criteria: Invitae Variant Classification Sherloc (09022015). Collection method: clinical testing. Allele origin: germline.
Comment: This sequence change replaces alanine, which is neutral and non-polar, with threonine, which is neutral and polar, at codon 638 of the BARD1 protein (p.Ala638Thr). This variant is present in population databases (rs756136465, gnomAD 0.006%). This variant has not been reported in the literature in individuals affected with BARD1-related conditions. ClinVar contains an entry for this variant (Variation ID: 479130). An algorithm developed to predict the effect of missense changes on protein structure and function (PolyPhen-2) suggests that this variant is likely to be disruptive. In summary, the available evidence is currently insufficient to determine the role of this variant in disease. Therefore, it has been classified as a Variant of Uncertain Significance.

Ambry Genetics
Classification: Uncertain significance for Hereditary cancer-predisposing syndrome. Last evaluated: 2024-06-24. Review status: criteria provided, single submitter. Criteria: Ambry Variant Classification Scheme 2023. Collection method: clinical testing. Allele origin: germline.
Comment: The p.A638T variant (also known as c.1912G>A), located in coding exon 10 of the BARD1 gene, results from a G to A substitution at nucleotide position 1912. The alanine at codon 638 is replaced by threonine, an amino acid with similar properties. This amino acid position is well conserved in available vertebrate species. In addition, this alteration is predicted to be tolerated by in silico analysis. Based on the available evidence, the clinical significance of this variant remains unclear.

Department of Pathology and Laboratory Medicine, Sinai Health System
Classification: Uncertain significance for Familial cancer of breast. Last evaluated: 2024-05-22. Review status: criteria provided, single submitter. Criteria: ACMG Guidelines, 2015. Collection method: clinical testing. Allele origin: germline. Affected: yes.

GeneDx
Classification: Uncertain significance. Last evaluated: 2022-02-15. Review status: criteria provided, single submitter. Criteria: GeneDx Variant Classification Process June 2021. Collection method: clinical testing. Allele origin: germline. Affected: yes.
Comment: Not observed at significant frequency in large population cohorts (gnomAD); In silico analysis supports that this missense variant has a deleterious effect on protein structure/function; Has not been previously published as pathogenic or benign to our knowledge; This variant is associated with the following publications: (PMID: 17550235)

Laboratory of Molecular Epidemiology of Birth Defects, West China Second University Hospital, Sichuan University
Classification: Likely pathogenic for Ovarian cancer. Last evaluated: 2022-01-01. Review status: criteria provided, single submitter. Criteria: ACMG Guidelines, 2015. Collection method: clinical testing. Allele origin: germline. Affected: yes.

Color Diagnostics, LLC DBA Color Health
Classification: Uncertain significance for Hereditary cancer-predisposing syndrome. Last evaluated: 2020-09-03. Review status: criteria provided, single submitter. Criteria: ACMG Guidelines, 2015. Collection method: clinical testing. Allele origin: germline.
Comment: This missense variant replaces alanine with threonine at codon 638 of the BARD1 protein. Computational prediction suggests that this variant may not impact protein structure and function (internally defined REVEL score threshold <= 0.5, PMID: 27666373). To our knowledge, functional studies have not been reported for this variant. This variant has not been reported in individuals affected with hereditary cancer in the literature. This variant has been identified in 1/251306 chromosomes in the general population by the Genome Aggregation Database (gnomAD). The available evidence is insufficient to determine the role of this variant in disease conclusively. Therefore, this variant is classified as a Variant of Uncertain Significance.

Women's Health and Genetics/Laboratory Corporation of America, LabCorp
Classification: Uncertain significance. Last evaluated: 2018-12-14. Review status: criteria provided, single submitter. Criteria: LabCorp Variant Classification Summary - May 2015. Collection method: clinical testing. Allele origin: germline.
Comment: Variant summary: The variant, BARD1 c.1912G>A (p.Ala638Thr) results in a non-conservative amino acid change located in the BRCT domain of the encoded protein sequence. Four of five in-silico tools predict a damaging effect of the variant on protein function. The variant allele was found at a frequency of 4.1e-06 in 246074 control chromosomes (gnomAD). The available data on variant occurrences in the general population are insufficient to allow any conclusion about variant significance. To our knowledge, no occurrence of c.1912G>A in individuals affected with Hereditary Breast and Ovarian Cancer and no experimental evidence demonstrating its impact on protein function have been reported. Three clinical diagnostic laboratories have submitted clinical-significance assessments for this variant to ClinVar after 2014 without evidence for independent evaluation. All laboratories classified the variant as uncertain significance. Based on the evidence outlined above, the variant was classified as uncertain significance.

NM_000465.4(BARD1):c.1912G>A (p.Ala638Thr)

Gene: BARD1 (BRCA1 associated RING domain 1; minus strand). Cytogenetic location: 2q35.
Variant type: single nucleotide variant.
Coding change: c.1912G>A on transcript NM_000465.4 (MANE Select); coding-DNA position 1912, G replaced by A.
Protein change: p.Ala638Thr; replaces alanine 638 with threonine.
Molecular consequence: missense variant. On other transcripts: non-coding transcript variant (3).
Genome position (GRCh38, 1-based): chr2:214,730,500, C>T on the plus strand (G>A on the coding strand, the complement: BARD1 is on the minus strand). VCF-style: chr2-214730500-C-T. GRCh37 (hg19) VCF-style: chr2-215595224-C-T.
Other names: c.1855G>A, p.Ala619Thr (NM_001282543.2); c.559G>A, p.Ala187Thr (NM_001282545.2); c.502G>A, p.Ala168Thr (NM_001282548.2); c.373G>A, p.Ala125Thr (NM_001282549.2); short protein forms A638T, A168T, A125T, A187T, A619T.
Identifiers: ClinVar variation 479130 (VCV000479130.25), dbSNP rs756136465, ClinGen allele CA2090116.
Genomic context (GRCh38, chr2:214,730,500, plus strand): 5'-GTGGACCTTCAGGAATTTCATACTTTTCTTCCTGTTCACATACTTTTCTTCGTAGACATG[C>T]TTTTACCCCTGACAAAAACACAAGAATTAAAGCAAACTAAGTATCAAGTGAGCACTATAT-3'
Protein context (NP_000456.2, residues 628-648): CWILKFEWVK[Ala638Thr]CLRRKVCEQE